The following is an entry in ClinVar:

ClinVar aggregate classification (germline): Uncertain significance. Review status: criteria provided, multiple submitters, no conflicts (2 of 4 stars). 2 submissions from 2 submitters: Uncertain significance (2). Last evaluated 2025-04-30.

Conditions:
Arrhythmogenic right ventricular dysplasia 13. Also called: ARRHYTHMOGENIC RIGHT VENTRICULAR CARDIOMYOPATHY 13; Arrhythmogenic right ventricular dysplasia, familial, 13. Identifiers: MedGen C3810138, MONDO:0000908, OMIM 615616.

gnomAD v4.1: 34 of 1,609,358 alleles (0.0021%); highest among the groups gnomAD compares: South Asian, 0.0066%; 1 homozygote.

Submissions (2):

Labcorp Genetics (formerly Invitae), Labcorp
Classification: Uncertain significance for Arrhythmogenic right ventricular dysplasia 13. Last evaluated: 2025-04-30. Review status: criteria provided, single submitter. Criteria: Invitae Variant Classification Sherloc (09022015). Collection method: clinical testing. Allele origin: germline.
Comment: This sequence change replaces lysine, which is basic and polar, with asparagine, which is neutral and polar, at codon 612 of the CTNNA3 protein (p.Lys612Asn). This variant is present in population databases (rs774209973, gnomAD 0.003%). This variant has not been reported in the literature in individuals affected with CTNNA3-related conditions. ClinVar contains an entry for this variant (Variation ID: 1442050). Invitae Evidence Modeling of protein sequence and biophysical properties (such as structural, functional, and spatial information, amino acid conservation, physicochemical variation, residue mobility, and thermodynamic stability) indicates that this missense variant is not expected to disrupt CTNNA3 protein function with a negative predictive value of 80%. In summary, the available evidence is currently insufficient to determine the role of this variant in disease. Therefore, it has been classified as a Variant of Uncertain Significance.

CeGaT Center for Human Genetics Tuebingen
Classification: Uncertain significance. Last evaluated: 2023-05-01. Review status: criteria provided, single submitter. Criteria: CeGaT Center For Human Genetics Tuebingen Variant Classification Criteria Version 2. Collection method: clinical testing. Allele origin: germline. Affected: yes. Observed: 1 variant allele.

NM_013266.4(CTNNA3):c.1836G>T (p.Lys612Asn)

Gene: CTNNA3 (catenin alpha 3; minus strand). Cytogenetic location: 10q21.3.
Variant type: single nucleotide variant.
Coding change: c.1836G>T on transcript NM_013266.4 (MANE Select); coding-DNA position 1836, G replaced by T.
Protein change: p.Lys612Asn; replaces lysine 612 with asparagine.
Molecular consequence: missense variant.
Genome position (GRCh38, 1-based): chr10:66,280,518, C>A on the plus strand (G>T on the coding strand, the complement: CTNNA3 is on the minus strand). VCF-style: chr10-66280518-C-A. GRCh37 (hg19) VCF-style: chr10-68040276-C-A.
Other names: c.1836G>T, p.Lys612Asn (NM_001127384.3); short protein forms K612N.
Identifiers: ClinVar variation 1442050 (VCV001442050.31), dbSNP rs774209973, ClinGen allele CA5519805.